The following is an entry in ClinVar:

NM_144573.4(NEXN):c.1432G>A (p.Asp478Asn)

Gene: NEXN (nexilin F-actin binding protein; plus strand). Cytogenetic location: 1p31.1.
Variant type: single nucleotide variant.
Coding change: c.1432G>A on transcript NM_144573.4 (MANE Select); coding-DNA position 1432, G replaced by A.
Protein change: p.Asp478Asn; replaces aspartic acid 478 with asparagine.
Molecular consequence: missense variant.
Genome position (GRCh38, 1-based): chr1:77,936,003, G>A. VCF-style: chr1-77936003-G-A. GRCh37 (hg19) VCF-style: chr1-78401688-G-A.
Other names: c.1240G>A, p.Asp414Asn (NM_001172309.2); short protein forms D478N, D414N.
Identifiers: ClinVar variation 520368 (VCV000520368.13), dbSNP rs1309129145, ClinGen allele CA340879355.
Genomic context (GRCh38, chr1:77,936,003, plus strand): 5'-TTGTCTGAAAAAGAAATACAGAAAAAAATAGAAGAAGAGCGAGCAAGAAGGAGAGCAATT[G>A]ACCTTGAAATTAAAGAGCGAGAAGCTGAAAATTTTCATGAGGTATATTACCTTTATATTT-3'
Protein context (NP_653174.3, residues 468-488): EEERARRRAI[Asp478Asn]LEIKEREAEN

ClinVar aggregate classification (germline): Uncertain significance. Review status: criteria provided, multiple submitters, no conflicts (2 of 4 stars). 4 submissions from 4 submitters: Uncertain significance (4). Last evaluated 2024-03-04.

Conditions:
Cardiovascular phenotype. Identifiers: MedGen CN230736.
Dilated cardiomyopathy 1CC (CMD1CC). Identifiers: Orphanet 154, MedGen C2751084, MONDO:0013147, OMIM 613122.
Hypertrophic cardiomyopathy 20. Identifiers: MedGen C3151267, MONDO:0013477, OMIM 613876.

Allele frequency attached by ClinVar (database versions not stated): gnomAD exomes below 0.00001; gnomAD 0.00001; TOPMed 0.00002.
gnomAD v4.1: 60 of 1,613,618 alleles (0.0037%); highest among the groups gnomAD compares: Non-Finnish European, 0.0049%; no homozygotes.

Submissions (4):

Ambry Genetics
Classification: Uncertain significance for Cardiovascular phenotype. Last evaluated: 2024-03-04. Review status: criteria provided, single submitter. Criteria: Ambry Variant Classification Scheme 2023. Collection method: clinical testing. Allele origin: germline.
Comment: The p.D478N variant (also known as c.1432G>A), located in coding exon 10 of the NEXN gene, results from a G to A substitution at nucleotide position 1432. The aspartic acid at codon 478 is replaced by asparagine, an amino acid with highly similar properties. This amino acid position is highly conserved in available vertebrate species. In addition, this alteration is predicted to be tolerated by in silico analysis. Based on the available evidence, the clinical significance of this alteration remains unclear.

GeneDx
Classification: Uncertain significance. Last evaluated: 2023-12-04. Review status: criteria provided, single submitter. Criteria: GeneDx Variant Classification Process June 2021. Collection method: clinical testing. Allele origin: germline. Affected: yes.
Comment: Not observed at significant frequency in large population cohorts (gnomAD); In silico analysis supports that this missense variant does not alter protein structure/function; Has not been previously published as pathogenic or benign to our knowledge

Blueprint Genetics
Classification: Uncertain significance. Last evaluated: 2023-01-31. Review status: criteria provided, single submitter. Criteria: ACMG Guidelines, 2015. Collection method: clinical testing. Allele origin: germline.

Labcorp Genetics (formerly Invitae), Labcorp
Classification: Uncertain significance for Dilated cardiomyopathy 1CC; Hypertrophic cardiomyopathy 20. Last evaluated: 2022-02-24. Review status: criteria provided, single submitter. Criteria: Invitae Variant Classification Sherloc (09022015). Collection method: clinical testing. Allele origin: germline.
Comment: This sequence change replaces aspartic acid, which is acidic and polar, with asparagine, which is neutral and polar, at codon 478 of the NEXN protein (p.Asp478Asn). This variant is present in population databases (no rsID available, gnomAD 0.0009%). This variant has not been reported in the literature in individuals affected with NEXN-related conditions. ClinVar contains an entry for this variant (Variation ID: 520368). Algorithms developed to predict the effect of missense changes on protein structure and function are either unavailable or do not agree on the potential impact of this missense change (SIFT: "Deleterious"; PolyPhen-2: "Probably Damaging"; Align-GVGD: "Class C0"). In summary, the available evidence is currently insufficient to determine the role of this variant in disease. Therefore, it has been classified as a Variant of Uncertain Significance.